The following is an entry in ClinVar:

NC_000019.10:g.48965263G>C

Genes: FTL (ferritin light chain; plus strand), LOC130064891 (ATAC-STARR-seq lymphoblastoid silent region 10909; plus strand). Cytogenetic location: 19q13.33.
Variant type: single nucleotide variant.
Genome position: GRCh38 VCF-style: chr19-48965263-G-C. GRCh37 (hg19) VCF-style: chr19-49468520-G-C.
Identifiers: ClinVar variation 2036953 (VCV002036953.4), dbSNP rs1034875270, ClinGen allele CA309374808.

ClinVar aggregate classification (germline): Uncertain significance (1 of 4 stars; one submission).

Conditions:
Hereditary hyperferritinemia with congenital cataracts. Also called: Hereditary hyperferritinemia cataract syndrome; Bonneau-Beaumont syndrome; HYPERFERRITINEMIA WITH OR WITHOUT CATARACT. Identifiers: Orphanet 163, MedGen C1833213, MONDO:0010952, OMIM 600886.
Neuroferritinopathy (NBIA3). Also called: NEURODEGENERATION WITH BRAIN IRON ACCUMULATION 3; BASAL GANGLIA DISEASE, ADULT-ONSET. Identifiers: Orphanet 157846, MedGen C1853578, MONDO:0011638, OMIM 606159.

Allele frequency attached by ClinVar (database versions not stated): gnomAD exomes 0.00003.

Submission:

Labcorp Genetics (formerly Invitae), Labcorp
Classification: Uncertain significance for Neuroferritinopathy; Hereditary hyperferritinemia with congenital cataracts. Last evaluated: 2025-03-26. Review status: criteria provided, single submitter. Criteria: Invitae Variant Classification Sherloc (09022015). Collection method: clinical testing. Allele origin: germline.
Comment: This variant occurs in a non-coding region of the FTL gene. It does not change the encoded amino acid sequence of the FTL protein. This variant is not present in population databases (gnomAD no frequency). This variant has not been reported in the literature in individuals affected with FTL-related conditions. Experimental studies and prediction algorithms are not available or were not evaluated, and the functional significance of this variant is currently unknown. In summary, the available evidence is currently insufficient to determine the role of this variant in disease. Therefore, it has been classified as a Variant of Uncertain Significance.